The following is an entry in ClinVar:

NM_001042492.3(NF1):c.2820_2826del (p.Ile941fs)

Gene: NF1 (neurofibromin 1; plus strand). Cytogenetic location: 17q11.2.
Variant type: Deletion.
Coding change: c.2820_2826del on transcript NM_001042492.3 (MANE Select); coding-DNA positions 2820 to 2826, 7 bases deleted (CATCAGC; older notation c.2820_2826delCATCAGC).
Protein change: p.Ile941fs; shifts the reading frame from isoleucine 941.
Molecular consequence: frameshift variant.
Genome position (GRCh38, 1-based): chr17:31,229,435-31,229,441, CATCAGC deleted; deleting any 7 consecutive bases within chr17:31,229,434-31,229,441 gives the same sequence; the c. name uses the placement nearest the transcript's 3' end. VCF-style (leftmost placement, unchanged base first): chr17-31229433-ACCATCAG-A. GRCh37 (hg19) VCF-style: chr17-29556451-ACCATCAG-A.
Other names: c.2820_2826delCATCAGC (NM_000267.3); c.2820_2826delCATCAGC, p.Ile941Serfs (NM_000267.4); short protein forms I941fs.
Identifiers: ClinVar variation 821855 (VCV000821855.4), dbSNP rs1597715824, ClinGen allele CA915949809.

ClinVar aggregate classification (germline): Pathogenic (1 of 4 stars; one submission).

Conditions:
Cardiovascular phenotype. Identifiers: MedGen CN230736.
Hereditary cancer-predisposing syndrome. Also called: Tumor predisposition; Hereditary Cancer Syndrome; Neoplastic Syndromes, Hereditary; Hereditary neoplastic syndrome. Identifiers: Orphanet 140162, MedGen C0027672, MeSH D009386, MONDO:0015356.

Submission:

Ambry Genetics
Classification: Pathogenic for Cardiovascular phenotype; Hereditary cancer-predisposing syndrome. Last evaluated: 2019-08-28. Review status: criteria provided, single submitter. Criteria: Ambry Variant Classification Scheme 2023. Collection method: clinical testing. Allele origin: germline.
Comment: The c.2820_2826delCATCAGC pathogenic mutation, located in coding exon 21 of the NF1 gene, results from a deletion of 7 nucleotides at nucleotide positions 2820 to 2826, causing a translational frameshift with a predicted alternate stop codon (p.I941Sfs*11). This alteration is expected to result in loss of function by premature protein truncation or nonsense-mediated mRNA decay. As such, this alteration is interpreted as a disease-causing mutation.